The following is an entry in ClinVar:

ClinVar aggregate classification (germline): Conflicting classifications of pathogenicity. Review status: criteria provided, conflicting classifications (1 of 4 stars). 7 submissions from 7 submitters: Uncertain significance (1); Likely benign (6). Last evaluated 2026-06-30.

Conditions:
Osteogenesis imperfecta type I (OI1). Also called: OI, TYPE I; OSTEOGENESIS IMPERFECTA TARDA; OSTEOGENESIS IMPERFECTA WITH BLUE SCLERAE; Lobstein disease; Lobstein's Disease; Osteogenesis imperfecta type 1. Identifiers: Orphanet 216796, Orphanet 666, MedGen C0023931, MONDO:0008146, OMIM 166200. Disease mechanism: loss of function.
COL1A1-related disorder. Also called: COL1A1- related disease; COL1A1-related condition.
Cardiovascular phenotype. Identifiers: MedGen CN230736.

Allele frequency attached by ClinVar (database versions not stated): TOPMed 0.00006.
gnomAD v4.1: 58 of 1,613,320 alleles (0.0036%); highest among the groups gnomAD compares: African/African-American, 0.0093%; no homozygotes.

Submissions (7):

PreventionGenetics, part of Exact Sciences
Classification: Likely benign for COL1A1-related condition. Last evaluated: 2026-06-30. Review status: criteria provided, single submitter. Criteria: ACMG Guidelines, 2015. Collection method: clinical testing. Allele origin: germline.
Comment: This variant is classified as likely benign based on ACMG/AMP sequence variant interpretation guidelines (Richards et al. 2015 PMID: 25741868, with internal and published modifications).

Labcorp Genetics (formerly Invitae), Labcorp
Classification: Likely benign for Osteogenesis imperfecta type I. Last evaluated: 2026-01-18. Review status: criteria provided, single submitter. Criteria: Invitae Variant Classification Sherloc (09022015). Collection method: clinical testing. Allele origin: germline.

Blueprint Genetics
Classification: Likely benign. Last evaluated: 2024-07-23. Review status: criteria provided, single submitter. Criteria: ACMG Guidelines, 2015. Collection method: clinical testing. Allele origin: germline.

Ambry Genetics
Classification: Likely benign for Cardiovascular phenotype. Last evaluated: 2023-05-19. Review status: criteria provided, single submitter. Criteria: Ambry Variant Classification Scheme 2023. Collection method: clinical testing. Allele origin: germline.

CeGaT Center for Human Genetics Tuebingen
Classification: Likely benign. Last evaluated: 2021-08-01. Review status: criteria provided, single submitter. Criteria: CeGaT Center For Human Genetics Tuebingen Variant Classification Criteria Version 2. Collection method: clinical testing. Allele origin: germline. Affected: yes. Observed: 1 variant allele.

GeneDx
Classification: Likely benign. Last evaluated: 2018-11-05. Review status: criteria provided, single submitter. Criteria: GeneDx Variant Classification Process June 2021. Collection method: clinical testing. Allele origin: germline. Affected: yes.

Eurofins Ntd Llc (ga)
Classification: Uncertain significance. Last evaluated: 2016-12-28. Review status: criteria provided, single submitter. Criteria: EGL Classification Definitions 2015. Collection method: clinical testing. Allele origin: germline. Observed: 1 variant allele, 1 heterozygote.

NM_000088.4(COL1A1):c.516C>T (p.Thr172=)

Gene: COL1A1 (collagen type I alpha 1 chain; minus strand). Cytogenetic location: 17q21.33.
Variant type: single nucleotide variant.
Coding change: c.516C>T on transcript NM_000088.4 (MANE Select); coding-DNA position 516, C replaced by T.
Protein change: p.Thr172=; no amino-acid change (threonine 172 retained).
Molecular consequence: synonymous variant.
Genome position (GRCh38, 1-based): chr17:50,198,460, G>A on the plus strand (C>T on the coding strand, the complement: COL1A1 is on the minus strand). VCF-style: chr17-50198460-G-A. GRCh37 (hg19) VCF-style: chr17-48275821-G-A.
Identifiers: ClinVar variation 499144 (VCV000499144.55), dbSNP rs377195143, ClinGen allele CA8645684.